The following is an entry in ClinVar:

ClinVar aggregate classification (germline): Conflicting classifications of pathogenicity. Review status: criteria provided, conflicting classifications (1 of 4 stars). 7 submissions from 7 submitters: Uncertain significance (6); Likely benign (1). Last evaluated 2025-10-18.

Conditions:
HTRA1-related disorder. Also called: HTRA1-related condition.
Inborn genetic diseases. Identifiers: MedGen C0950123, MeSH D030342.
Macular degeneration. Also called: Degenerative disorder of macula. Identifiers: MedGen C0024437, MONDO:0003004, HP:0000608.

Allele frequency attached by ClinVar (database versions not stated): 1000 Genomes Project 30x 0.00016; 1000 Genomes Project 0.00020; gnomAD 0.00021 and 0.00023; TOPMed 0.00023; gnomAD exomes 0.00065; ExAC 0.00196.
gnomAD v4.1: 339 of 1,382,706 alleles (0.025%); highest among the groups gnomAD compares: Middle Eastern, 0.34%; 3 homozygotes.

Submissions (7):

Labcorp Genetics (formerly Invitae), Labcorp
Classification: Likely benign. Last evaluated: 2025-10-18. Review status: criteria provided, single submitter. Criteria: Invitae Variant Classification Sherloc (09022015). Collection method: clinical testing. Allele origin: germline.

Women's Health and Genetics/Laboratory Corporation of America, LabCorp
Classification: Uncertain significance. Last evaluated: 2025-05-28. Review status: criteria provided, single submitter. Criteria: LabCorp Variant Classification Summary - May 2015. Collection method: clinical testing. Allele origin: germline.
Comment: Variant summary: HTRA1 c.245C>G (p.Pro82Arg) results in a non-conservative amino acid change in the encoded protein sequence. Algorithms developed to predict the effect of missense changes on protein structure and function are either unavailable or do not agree on the potential impact of this missense change. The variant allele was found at a frequency of 0.00065 in 38470 control chromosomes in the gnomAD database, including one homozygote. This frequency is not significantly higher than estimated for a pathogenic variant in HTRA1 causing CARASIL syndrome, allowing no conclusion about variant significance. To our knowledge, no occurrence of c.245C>G in individuals affected with CARASIL syndrome and no experimental evidence demonstrating its impact on protein function have been reported. ClinVar contains an entry for this variant (Variation ID: 299046). Based on the evidence outlined above, the variant was classified as uncertain significance.

CeGaT Center for Human Genetics Tuebingen
Classification: Uncertain significance. Last evaluated: 2025-02-01. Review status: criteria provided, single submitter. Criteria: CeGaT Center For Human Genetics Tuebingen Variant Classification Criteria Version 2. Collection method: clinical testing. Allele origin: germline. Affected: yes. Observed: 3 variant alleles.

PreventionGenetics, part of Exact Sciences
Classification: Uncertain significance for HTRA1-related condition. Last evaluated: 2022-11-17. Review status: criteria provided, single submitter. Criteria: ACMG Guidelines, 2015. Collection method: clinical testing. Allele origin: germline.
Comment: The HTRA1 c.245C>G variant is predicted to result in the amino acid substitution p.Pro82Arg. To our knowledge, this variant has not been reported in the literature. This variant is reported in 0.17% of alleles in individuals of South Asian descent in gnomAD. Although we suspect that this variant may be benign, at this time, the clinical significance of this variant is uncertain due to the absence of conclusive functional and genetic evidence.

Ambry Genetics
Classification: Uncertain significance for Inborn genetic diseases. Last evaluated: 2021-08-13. Review status: criteria provided, single submitter. Criteria: Ambry Variant Classification Scheme 2023. Collection method: clinical testing. Allele origin: germline.

Athena Diagnostics
Classification: Uncertain significance. Last evaluated: 2021-01-05. Review status: criteria provided, single submitter. Criteria: Athena Diagnostics criteria. Collection method: clinical testing. Allele origin: unknown.

Illumina Laboratory Services, Illumina
Classification: Uncertain significance for Macular degeneration. Last evaluated: 2018-01-13. Review status: criteria provided, single submitter. Criteria: ICSL Variant Classification Criteria 13 December 2019. Collection method: clinical testing. Allele origin: germline.

NM_002775.5(HTRA1):c.245C>G (p.Pro82Arg)

Gene: HTRA1 (HtrA serine peptidase 1; plus strand). Cytogenetic location: 10q26.13.
Variant type: single nucleotide variant.
Coding change: c.245C>G on transcript NM_002775.5 (MANE Select); coding-DNA position 245, C replaced by G.
Protein change: p.Pro82Arg; replaces proline 82 with arginine.
Molecular consequence: missense variant.
Genome position (GRCh38, 1-based): chr10:122,461,897, C>G. VCF-style: chr10-122461897-C-G. GRCh37 (hg19) VCF-style: chr10-124221413-C-G.
Other names: short protein forms P82R.
Identifiers: ClinVar variation 299046 (VCV000299046.51), dbSNP rs541204010, ClinGen allele CA5725797.